The following is an entry in ClinVar:

NC_000023.10:g.(?_22050442)_(22269428_?)dup

Gene: PHEX (phosphate regulating endopeptidase X-linked; plus strand). Cytogenetic location: Xp22.11.
Variant type: Duplication.
Identifiers: ClinVar variation 3629884 (VCV003629884.1).

ClinVar aggregate classification (germline): Uncertain significance (1 of 4 stars; one submission).

Submission:

Women's Health and Genetics/Laboratory Corporation of America, LabCorp
Classification: Uncertain significance. Last evaluated: 2024-11-01. Review status: criteria provided, single submitter. Criteria: LabCorp Variant Classification Summary - May 2015. Collection method: clinical testing. Allele origin: germline.
Comment: Variant summary: The variant involves the duplication of exons 1-22 in the PHEX gene. A presumed nomenclature of c.(?_-682)_(*3358_?)dup has been designated for the purposes of this classification. This duplication includes the entire coding sequence of the gene. As exact breakpoints are unknown, it may extend beyond the annotated region of the gene, to include other flanking genes. The variant was absent in 15814 control chromosomes. The available data on variant occurrences in the general population are insufficient to allow any conclusion about variant significance. To our knowledge, no occurrence of c.(?_-682)_(*3358_?)dup in individuals affected with X-Linked Hypophosphatemic Rickets and no experimental evidence demonstrating its impact on protein function have been reported. ClinVar contains an entry for this variant (Variation ID: 3246066). Based on the evidence outlined above, the variant was classified as uncertain significance.